The following is an entry in ClinVar:

NM_030665.4(RAI1):c.4779C>T (p.Pro1593=)

Gene: RAI1 (retinoic acid induced 1; plus strand). Cytogenetic location: 17p11.2.
Variant type: single nucleotide variant.
Coding change: c.4779C>T on transcript NM_030665.4 (MANE Select); coding-DNA position 4779, C replaced by T.
Protein change: p.Pro1593=; no amino-acid change (proline 1593 retained).
Molecular consequence: synonymous variant.
Genome position (GRCh38, 1-based): chr17:17,797,727, C>T. VCF-style: chr17-17797727-C-T. GRCh37 (hg19) VCF-style: chr17-17701041-C-T.
Other names: c.4779C>T (NM_030665.3).
Identifiers: ClinVar variation 1587715 (VCV001587715.11), dbSNP rs202232474, ClinGen allele CA288371452.

ClinVar aggregate classification (germline): Likely benign. Review status: criteria provided, multiple submitters, no conflicts (2 of 4 stars). 3 submissions from 3 submitters: Likely benign (2). 1 of the submissions does not count toward it. Last evaluated 2025-11-22.

Conditions:
RAI1-related disorder. Also called: RAI1-related condition.

Allele frequency attached by ClinVar (database versions not stated): gnomAD exomes 0.00002 and 0.00005; TOPMed 0.00002; gnomAD 0.00003 and 0.00004.
gnomAD v4.1: 76 of 1,613,706 alleles (0.0047%); highest among the groups gnomAD compares: Middle Eastern, 0.016%; 1 homozygote.

Submissions (3):

Labcorp Genetics (formerly Invitae), Labcorp
Classification: Likely benign. Last evaluated: 2025-11-22. Review status: criteria provided, single submitter. Criteria: Invitae Variant Classification Sherloc (09022015). Collection method: clinical testing. Allele origin: germline.

Breakthrough Genomics
Classification: Likely benign. Review status: criteria provided, single submitter. Criteria: ACMG Guidelines, 2015. Collection method: not provided. Allele origin: germline. Inheritance: Autosomal dominant inheritance. Affected: yes.

PreventionGenetics, part of Exact Sciences
Classification: Likely benign for RAI1-related condition. Last evaluated: 2021-06-03. Review status: no assertion criteria provided. Collection method: clinical testing. Allele origin: germline. Not counted in ClinVar's aggregate classification.
Comment: This variant is classified as likely benign based on ACMG/AMP sequence variant interpretation guidelines (Richards et al. 2015 PMID: 25741868, with internal and published modifications).